The following is an entry in ClinVar:

NM_001365276.2(TNXB):c.2852C>T (p.Ala951Val)

Gene: TNXB (tenascin XB; minus strand). Cytogenetic location: 6p21.33.
Variant type: single nucleotide variant.
Coding change: c.2852C>T on transcript NM_001365276.2 (MANE Select); coding-DNA position 2852, C replaced by T.
Protein change: p.Ala951Val; replaces alanine 951 with valine.
Molecular consequence: missense variant.
Genome position (GRCh38, 1-based): chr6:32,086,046, G>A on the plus strand (C>T on the coding strand, the complement: TNXB is on the minus strand). VCF-style: chr6-32086046-G-A. GRCh37 (hg19) VCF-style: chr6-32053823-G-A.
Other names: p.Ala951Val; c.2852C>T, p.Ala951Val (NM_019105.8); short protein forms A951V.
Identifiers: ClinVar variation 1796852 (VCV001796852.9), dbSNP rs560124416, ClinGen allele CA3735307.

ClinVar aggregate classification (germline): Conflicting classifications of pathogenicity. Review status: criteria provided, conflicting classifications (1 of 4 stars). 4 submissions from 4 submitters: Uncertain significance (3); Likely benign (1). Last evaluated 2026-10-12.

Conditions:
Cardiovascular phenotype. Identifiers: MedGen CN230736.

Allele frequency attached by ClinVar (database versions not stated): TOPMed 0.00011; 1000 Genomes Project 0.00040; 1000 Genomes Project 30x 0.00031; gnomAD 0.00006.
gnomAD v4.1: 45 of 1,600,466 alleles (0.0028%); highest among the groups gnomAD compares: Admixed American, 0.034%; no homozygotes.

Submissions (4):

GeneDx
Classification: Uncertain significance. Last evaluated: 2026-10-12. Review status: criteria provided, single submitter. Criteria: GeneDx Variant Classification Process June 2021. Collection method: clinical testing. Allele origin: germline.
Comment: Has not been previously published as pathogenic or benign to our knowledge; In silico analysis suggests that this missense variant does not alter protein structure/function

Mayo Clinic Laboratories, Mayo Clinic
Classification: Uncertain significance. Last evaluated: 2025-09-11. Review status: criteria provided, single submitter. Criteria: ACMG Guidelines, 2015. Collection method: clinical testing. Allele origin: germline. Observed: 1 variant allele.
Comment: BP4_moderate

Women's Health and Genetics/Laboratory Corporation of America, LabCorp
Classification: Uncertain significance. Last evaluated: 2025-09-04. Review status: criteria provided, single submitter. Criteria: LabCorp Variant Classification Summary - May 2015. Collection method: clinical testing. Allele origin: germline.
Comment: Variant summary: TNXB c.2852C>T (p.Ala951Val) results in a non-conservative amino acid change in the encoded protein sequence. Algorithms developed to predict the effect of missense changes on protein structure and function are either unavailable or do not agree on the potential impact of this missense change. The variant allele was found at a frequency of 5.6e-05 in 231244 control chromosomes. This frequency is not significantly higher than estimated for disease-causing variants in TNXB, allowing no conclusion about variant significance. To our knowledge, no occurrence of c.2852C>T in individuals affected with TNXB-related conditions and no experimental evidence demonstrating its impact on protein function have been reported. ClinVar contains an entry for this variant (Variation ID: 1796852). Based on the evidence outlined above, the variant was classified as uncertain significance.

Ambry Genetics
Classification: Likely benign for Cardiovascular phenotype. Last evaluated: 2024-07-29. Review status: criteria provided, single submitter. Criteria: Ambry Variant Classification Scheme 2023. Collection method: clinical testing. Allele origin: germline.